The following is an entry in ClinVar:

ClinVar aggregate classification (germline): Uncertain significance (1 of 4 stars; one submission).

gnomAD v4.1: 1 of 1,614,018 alleles (0.000062%); highest among the groups gnomAD compares: East Asian, 0.0022%; no homozygotes.

Submission:

Labcorp Genetics (formerly Invitae), Labcorp
Classification: Uncertain significance. Last evaluated: 2022-09-23. Review status: criteria provided, single submitter. Criteria: Invitae Variant Classification Sherloc (09022015). Collection method: clinical testing. Allele origin: germline.
Comment: In summary, the available evidence is currently insufficient to determine the role of this variant in disease. Therefore, it has been classified as a Variant of Uncertain Significance. Advanced modeling of protein sequence and biophysical properties (such as structural, functional, and spatial information, amino acid conservation, physicochemical variation, residue mobility, and thermodynamic stability) performed at Invitae indicates that this missense variant is not expected to disrupt LONP1 protein function. This variant has not been reported in the literature in individuals affected with LONP1-related conditions. This variant is not present in population databases (gnomAD no frequency). This sequence change replaces arginine, which is basic and polar, with glycine, which is neutral and non-polar, at codon 158 of the LONP1 protein (p.Arg158Gly).

NM_004793.4(LONP1):c.472C>G (p.Arg158Gly)

Gene: LONP1 (lon peptidase 1, mitochondrial; minus strand). Cytogenetic location: 19p13.3.
Variant type: single nucleotide variant.
Coding change: c.472C>G on transcript NM_004793.4 (MANE Select); coding-DNA position 472, C replaced by G.
Protein change: p.Arg158Gly; replaces arginine 158 with glycine.
Molecular consequence: missense variant. On other transcripts: 5 prime UTR variant (1), non-coding transcript variant (1).
Genome position (GRCh38, 1-based): chr19:5,714,229, G>C on the plus strand (C>G on the coding strand, the complement: LONP1 is on the minus strand). VCF-style: chr19-5714229-G-C. GRCh37 (hg19) VCF-style: chr19-5714240-G-C.
Other names: c.280C>G, p.Arg94Gly (NM_001276479.2); c.-117C>G (NM_001276480.1); short protein forms R158G, R94G.
Identifiers: ClinVar variation 1978242 (VCV001978242.4), dbSNP rs370084099, ClinGen allele CA403540854.